The following is an entry in ClinVar:

ClinVar aggregate classification (germline): Uncertain significance (1 of 4 stars; one submission).

Conditions:
Global developmental delay, absent or hypoplastic corpus callosum, and dysmorphic facies (GDACCF). Identifiers: MedGen C4310644, MONDO:0014994, OMIM 617260.

Allele frequency attached by ClinVar (database versions not stated): gnomAD exomes below 0.00001; TOPMed 0.00001.
gnomAD v4.1: 4 of 1,613,800 alleles (0.00025%); highest among the groups gnomAD compares: Non-Finnish European, 0.00017%; no homozygotes.

Submission:

Baylor Genetics
Classification: Uncertain significance for Global developmental delay, absent or hypoplastic corpus callosum, and dysmorphic facies. Last evaluated: 2018-06-22. Review status: criteria provided, single submitter. Criteria: ACMG Guidelines, 2015. Collection method: clinical testing. Allele origin: maternal. Affected: yes.
Comment: This variant was determined to be of uncertain significance according to ACMG Guidelines, 2015 [PMID:25741868].

NM_021964.3(ZNF148):c.445C>T (p.Arg149Cys)

Gene: ZNF148 (zinc finger protein 148; minus strand). Cytogenetic location: 3q21.2.
Variant type: single nucleotide variant.
Coding change: c.445C>T on transcript NM_021964.3 (MANE Select); coding-DNA position 445, C replaced by T.
Protein change: p.Arg149Cys; replaces arginine 149 with cysteine.
Molecular consequence: missense variant. On other transcripts: intron variant (1).
Genome position (GRCh38, 1-based): chr3:125,288,117, G>A on the plus strand (C>T on the coding strand, the complement: ZNF148 is on the minus strand). VCF-style: chr3-125288117-G-A. GRCh37 (hg19) VCF-style: chr3-125006961-G-A.
Other names: c.445C>T, p.Arg149Cys (NM_001348424.1, NM_001348425.2, NM_001348426.2 and 8 more transcripts); c.334-8870C>T (NM_001348434.2); short protein forms R149C.
Identifiers: ClinVar variation 1033991 (VCV001033991.1), dbSNP rs1411607439, ClinGen allele CA354361122.
Genomic context (GRCh38, chr3:125,288,117, plus strand): 5'-GTTGGAATTAAGAGGTTGTGATTACCACCTTAATACATTGTCTTACTTTTGCGGGAGAAC[G>A]TTGTTTCCGCTTCTTCTTTTTCTGTAAGTCTACTGGCTCTCTGATTTGTTTTTTGTCTCT-3'
Protein context (NP_068799.2, residues 139-159): DLQKKKKRKQ[Arg149Cys]SPAKILTINE